The following is an entry in ClinVar:

NM_000268.4(NF2):c.1247C>G (p.Ala416Gly)

Gene: NF2 (NF2, moesin-ezrin-radixin like (MERLIN) tumor suppressor; plus strand). Cytogenetic location: 22q12.2.
Variant type: single nucleotide variant.
Coding change: c.1247C>G on transcript NM_000268.4 (MANE Select); coding-DNA position 1247, C replaced by G.
Protein change: p.Ala416Gly; replaces alanine 416 with glycine.
Molecular consequence: missense variant. On other transcripts: intron variant (1).
Genome position (GRCh38, 1-based): chr22:29,673,393, C>G. VCF-style: chr22-29673393-C-G. GRCh37 (hg19) VCF-style: chr22-30069382-C-G.
Other names: c.1133C>G, p.Ala378Gly (NM_001407053.1, NM_001407056.1); c.1124C>G, p.Ala375Gly (NM_001407054.1, NM_001407058.1, NM_181829.3); c.1121C>G, p.Ala374Gly (NM_001407055.1, NM_181828.3); c.1112C>G, p.Ala371Gly (NM_001407057.1, NM_001407059.1); c.1247C>G, p.Ala416Gly (NM_001407060.1, NM_001407066.1, NM_016418.5 and 2 more transcripts); c.989C>G, p.Ala330Gly (NM_001407062.1); c.998C>G, p.Ala333Gly (NM_001407063.1, NM_001407064.1, NM_181830.3 and 1 more transcripts); c.713C>G, p.Ala238Gly (NM_001407065.1); and 2 more; short protein forms A238G, A330G, A375G, A378G, A371G, A374G, A333G, A339G.
Identifiers: ClinVar variation 2739270 (VCV002739270.5), dbSNP rs2066862902, ClinGen allele CA411148310.

ClinVar aggregate classification (germline): Uncertain significance. Review status: criteria provided, multiple submitters, no conflicts (2 of 4 stars). 3 submissions from 3 submitters: Uncertain significance (3). Last evaluated 2025-11-28.

Conditions:
Neurofibromatosis, type 2 (SWNV). Also called: SCHWANNOMATOSIS, VESTIBULAR; BILATERAL ACOUSTIC NEUROFIBROMATOSIS; NF2-Related Schwannomatosis. Identifiers: Orphanet 637, MedGen C0027832, MONDO:0007039, OMIM 101000. Disease mechanism: loss of function.
Hereditary cancer-predisposing syndrome. Also called: Hereditary Cancer Syndrome; Hereditary neoplastic syndrome; Neoplastic Syndromes, Hereditary; Tumor predisposition. Identifiers: Orphanet 140162, MedGen C0027672, MeSH D009386, MONDO:0015356.

Submissions (3):

Ambry Genetics
Classification: Uncertain significance for Hereditary cancer-predisposing syndrome. Last evaluated: 2025-11-28. Review status: criteria provided, single submitter. Criteria: Ambry Variant Classification Scheme 2023. Collection method: clinical testing. Allele origin: germline.
Comment: The p.A416G variant (also known as c.1247C>G), located in coding exon 12 of the NF2 gene, results from a C to G substitution at nucleotide position 1247. The alanine at codon 416 is replaced by glycine, an amino acid with similar properties. This amino acid position is conserved. In addition, the in silico prediction for this alteration is inconclusive. Based on the available evidence, the clinical significance of this variant remains unclear.

Color Diagnostics, LLC DBA Color Health
Classification: Uncertain significance for Neurofibromatosis, type 2. Last evaluated: 2025-06-09. Review status: criteria provided, single submitter. Criteria: ACMG Guidelines, 2015. Collection method: clinical testing. Allele origin: germline.
Comment: This missense variant replaces alanine with glycine at codon 416 of the NF2 protein. Computational prediction suggests that this variant may not impact protein structure and function. To our knowledge, functional studies have not been reported for this variant. This variant has not been reported in individuals affected with NF2-related disorders in the literature. This variant has not been identified in the general population by the Genome Aggregation Database (gnomAD). The available evidence is insufficient to determine the role of this variant in disease conclusively. Therefore, this variant is classified as a Variant of Uncertain Significance.

Labcorp Genetics (formerly Invitae), Labcorp
Classification: Uncertain significance for Neurofibromatosis, type 2. Last evaluated: 2023-01-17. Review status: criteria provided, single submitter. Criteria: Invitae Variant Classification Sherloc (09022015). Collection method: clinical testing. Allele origin: germline.
Comment: In summary, the available evidence is currently insufficient to determine the role of this variant in disease. Therefore, it has been classified as a Variant of Uncertain Significance. Advanced modeling of protein sequence and biophysical properties (such as structural, functional, and spatial information, amino acid conservation, physicochemical variation, residue mobility, and thermodynamic stability) performed at Invitae indicates that this missense variant is expected to disrupt NF2 protein function. This variant has not been reported in the literature in individuals affected with NF2-related conditions. This variant is not present in population databases (gnomAD no frequency). This sequence change replaces alanine, which is neutral and non-polar, with glycine, which is neutral and non-polar, at codon 416 of the NF2 protein (p.Ala416Gly).